The following is an entry in ClinVar:

NM_017654.4(SAMD9):c.4679A>G (p.Gln1560Arg)

Gene: SAMD9 (sterile alpha motif domain containing 9; minus strand). Cytogenetic location: 7q21.2.
Variant type: single nucleotide variant.
Coding change: c.4679A>G on transcript NM_017654.4 (MANE Select); coding-DNA position 4679, A replaced by G.
Protein change: p.Gln1560Arg; replaces glutamine 1560 with arginine.
Molecular consequence: missense variant.
Genome position (GRCh38, 1-based): chr7:93,101,419, T>C on the plus strand (A>G on the coding strand, the complement: SAMD9 is on the minus strand). VCF-style: chr7-93101419-T-C. GRCh37 (hg19) VCF-style: chr7-92730732-T-C.
Other names: c.4679A>G, p.Gln1560Arg (NM_001193307.2); short protein forms Q1560R.
Identifiers: ClinVar variation 3437069 (VCV003437069.2).

ClinVar aggregate classification (germline): Uncertain significance. Review status: criteria provided, multiple submitters, no conflicts (2 of 4 stars). 2 submissions from 2 submitters: Uncertain significance (2). Last evaluated 2025-10-23.

Conditions:
Inborn genetic diseases. Identifiers: MedGen C0950123, MeSH D030342.

gnomAD v4.1: 25 of 1,613,702 alleles (0.0015%); highest among the groups gnomAD compares: Non-Finnish European, 0.0021%; no homozygotes.

Submissions (2):

Labcorp Genetics (formerly Invitae), Labcorp
Classification: Uncertain significance. Last evaluated: 2025-10-23. Review status: criteria provided, single submitter. Criteria: Invitae Variant Classification Sherloc (09022015). Collection method: clinical testing. Allele origin: germline.
Comment: This sequence change replaces glutamine, which is neutral and polar, with arginine, which is basic and polar, at codon 1560 of the SAMD9 protein (p.Gln1560Arg). This variant is present in population databases (rs142271975, gnomAD 0.003%). This variant has not been reported in the literature in individuals affected with SAMD9-related conditions. ClinVar contains an entry for this variant (Variation ID: 3437069). Invitae Evidence Modeling of protein sequence and biophysical properties (such as structural, functional, and spatial information, amino acid conservation, physicochemical variation, residue mobility, and thermodynamic stability) indicates that this missense variant is not expected to disrupt SAMD9 protein function with a negative predictive value of 95%. In summary, the available evidence is currently insufficient to determine the role of this variant in disease. Therefore, it has been classified as a Variant of Uncertain Significance.

Ambry Genetics
Classification: Uncertain significance for Inborn genetic diseases. Last evaluated: 2024-12-01. Review status: criteria provided, single submitter. Criteria: Ambry Variant Classification Scheme 2023. Collection method: clinical testing. Allele origin: germline.
Comment: The p.Q1560R variant (also known as c.4679A>G), located in coding exon 1 of the SAMD9 gene, results from an A to G substitution at nucleotide position 4679. The glutamine at codon 1560 is replaced by arginine, an amino acid with highly similar properties. This amino acid position is conserved. In addition, this alteration is predicted to be tolerated by in silico analysis. Based on the available evidence, the clinical significance of this variant remains unclear.